The following is an entry in ClinVar:

NM_002294.3(LAMP2):c.339C>T (p.Ser113=)

Gene: LAMP2 (lysosome associated membrane protein 2; minus strand). Cytogenetic location: Xq24.
Variant type: single nucleotide variant.
Coding change: c.339C>T on transcript NM_002294.3 (MANE Select); coding-DNA position 339, C replaced by T.
Protein change: p.Ser113=; no amino-acid change (serine 113 retained).
Molecular consequence: synonymous variant.
Genome position (GRCh38, 1-based): chrX:120,455,415, G>A on the plus strand (C>T on the coding strand, the complement: LAMP2 is on the minus strand). VCF-style: chrX-120455415-G-A. GRCh37 (hg19) VCF-style: chrX-119589270-G-A.
Other names: c.339C>T, p.Ser113= (NM_001122606.1, NM_013995.2).
Identifiers: ClinVar variation 44426 (VCV000044426.33), dbSNP rs147369153, ClinGen allele CA134110.

ClinVar aggregate classification (germline): Benign/Likely benign. Review status: criteria provided, multiple submitters, no conflicts (2 of 4 stars). 14 submissions from 14 submitters: Benign (6); Likely benign (3). 5 of the submissions do not count toward it. Last evaluated 2026-01-26.

Conditions:
Cardiovascular phenotype. Identifiers: MedGen CN230736.
Cardiomyopathy (CMYO). Also called: Cardiomyopathies. Identifiers: Orphanet 167848, MedGen C0878544, MONDO:0004994, HP:0001638. Inheritance: Various modes of inheritance.
Danon disease. Also called: ANTOPOL DISEASE; Glycogen Storage Disease Type IIb; PSEUDOGLYCOGENOSIS II; GSD IIb; LYSOSOMAL GLYCOGEN STORAGE DISEASE WITHOUT ACID MALTASE DEFICIENCY. Identifiers: Orphanet 34587, MedGen C0878677, MONDO:0010281, OMIM 300257.

Allele frequency attached by ClinVar (database versions not stated): ExAC 0.00062; TOPMed 0.00065; ESP Exome Variant Server 0.00066; gnomAD 0.00066 and 0.00067; gnomAD exomes 0.00070.
gnomAD v4.1: 713 of 1,208,029 alleles (0.059%); highest among the groups gnomAD compares: Non-Finnish European, 0.036%; no homozygotes.

Submissions (14):

Labcorp Genetics (formerly Invitae), Labcorp
Classification: Benign for Danon disease. Last evaluated: 2026-01-26. Review status: criteria provided, single submitter. Criteria: Invitae Variant Classification Sherloc (09022015). Collection method: clinical testing. Allele origin: germline.

Molecular Diagnostic Laboratory for Inherited Cardiovascular Disease, Montreal Heart Institute
Classification: Likely benign. Last evaluated: 2025-04-09. Review status: criteria provided, single submitter. Criteria: ACMG Guidelines, 2015. Collection method: clinical testing. Allele origin: germline. Affected: no.

Women's Health and Genetics/Laboratory Corporation of America, LabCorp
Classification: Benign. Last evaluated: 2024-11-29. Review status: criteria provided, single submitter. Criteria: LabCorp Variant Classification Summary - May 2015. Collection method: clinical testing. Allele origin: germline.

Blueprint Genetics
Classification: Likely benign. Last evaluated: 2024-10-07. Review status: criteria provided, single submitter. Criteria: ACMG Guidelines, 2015. Collection method: clinical testing. Allele origin: germline.

Illumina Laboratory Services, Illumina
Classification: Benign for Danon disease. Last evaluated: 2018-01-13. Review status: criteria provided, single submitter. Criteria: ICSL Variant Classification Criteria 13 December 2019. Collection method: clinical testing. Allele origin: germline.
Comment: This variant was observed in the ICSL laboratory as part of a predisposition screen in an ostensibly healthy population. It had not been previously curated by ICSL or reported in the Human Gene Mutation Database (HGMD: prior to June 1st, 2018), and was therefore a candidate for classification through an automated scoring system. Utilizing variant allele frequency, disease prevalence and penetrance estimates, and inheritance mode, an automated score was calculated to assess if this variant is too frequent to cause the disease. Based on the score and internal cut-off values, a variant classified as benign is not then subjected to further curation. The score for this variant resulted in a classification of benign for this disease.

CHEO Genetics Diagnostic Laboratory, Children's Hospital of Eastern Ontario
Classification: Benign for Cardiomyopathy. Last evaluated: 2017-08-09. Review status: criteria provided, single submitter. Criteria: ACMG Guidelines, 2015. Collection method: clinical testing. Allele origin: germline. Study: Canadian Open Genetics Repository.

Laboratory for Molecular Medicine, Mass General Brigham Personalized Medicine
Classification: Likely benign. Last evaluated: 2015-12-22. Review status: criteria provided, single submitter. Criteria: LMM Criteria. Collection method: clinical testing. Allele origin: germline. Observed: 13 variant alleles.
Comment: p.Ser113Ser in exon 3 of LAMP2: This variant is not expected to have clinical si gnificance because it does not alter an amino acid residue and is not located wi thin the splice consensus sequence. It has been identified in 0.1% (53/47985) of European chromosomes, including 16 hemizygotes, by the Exome Aggregation Consor tium (ExAC; dbSNP rs147369153).

Ambry Genetics
Classification: Benign for Cardiovascular phenotype. Last evaluated: 2015-11-24. Review status: criteria provided, single submitter. Criteria: Ambry Variant Classification Scheme 2023. Collection method: clinical testing. Allele origin: germline.

GeneDx
Classification: Benign. Last evaluated: 2015-03-03. Review status: criteria provided, single submitter. Criteria: GeneDx Variant Classification Process June 2021. Collection method: clinical testing. Allele origin: germline. Affected: yes.

Clinical Genetics DNA and cytogenetics Diagnostics Lab, Erasmus MC, Erasmus Medical Center
Classification: Likely benign. Review status: no assertion criteria provided. Collection method: clinical testing. Allele origin: germline. Affected: yes. Study: VKGL Data-share Consensus. Not counted in ClinVar's aggregate classification.

Clinical Genetics, Academic Medical Center
Classification: Benign. Review status: no assertion criteria provided. Collection method: clinical testing. Allele origin: germline. Affected: yes. Study: VKGL Data-share Consensus. Not counted in ClinVar's aggregate classification.

Diagnostic Laboratory, Department of Genetics, University Medical Center Groningen
Classification: Likely benign for Danon disease. Review status: no assertion criteria provided. Collection method: clinical testing. Allele origin: germline. Affected: yes. Study: VKGL Data-share Consensus. Not counted in ClinVar's aggregate classification.

Genome Diagnostics Laboratory, University Medical Center Utrecht
Classification: Likely benign. Review status: no assertion criteria provided. Collection method: clinical testing. Allele origin: germline. Affected: yes. Study: VKGL Data-share Consensus. Not counted in ClinVar's aggregate classification.

Joint Genome Diagnostic Labs from Nijmegen and Maastricht, Radboudumc and MUMC+
Classification: Likely benign. Review status: no assertion criteria provided. Collection method: clinical testing. Allele origin: germline. Affected: yes. Study: VKGL Data-share Consensus. Not counted in ClinVar's aggregate classification.